The following is an entry in ClinVar:

ClinVar aggregate classification (germline): Pathogenic (1 of 4 stars; one submission).

Conditions:
Cataract 1 multiple types. Also called: CATARACT 1, MULTIPLE TYPES, WITH OR WITHOUT MICROCORNEA; CATARACT, DUFFY-LINKED; CATARACT 1, NUCLEAR PROGRESSIVE; CATARACT 1 WITH MICROCORNEA; CATARACT 1, POSTERIOR SUBCAPSULAR, WITH MICROCORNEA; CATARACT 1, STELLATE NUCLEAR, WITH MICROCORNEA. Identifiers: Orphanet 1377, MedGen C1861828, MONDO:0007285, OMIM 116200.

Submission:

Labcorp Genetics (formerly Invitae), Labcorp
Classification: Pathogenic for Cataract 1 multiple types. Last evaluated: 2023-05-15. Review status: criteria provided, single submitter. Criteria: Invitae Variant Classification Sherloc (09022015). Collection method: clinical testing. Allele origin: germline.
Comment: This variant is not present in population databases (gnomAD no frequency). For these reasons, this variant has been classified as Pathogenic. This variant disrupts the p.Glu48 amino acid residue in GJA8. Other variant(s) that disrupt this residue have been determined to be pathogenic (PMID: 10480374, 19126675). This suggests that this residue is clinically significant, and that variants that disrupt this residue are likely to be disease-causing. Advanced modeling of protein sequence and biophysical properties (such as structural, functional, and spatial information, amino acid conservation, physicochemical variation, residue mobility, and thermodynamic stability) performed at Invitae indicates that this missense variant is expected to disrupt GJA8 protein function. ClinVar contains an entry for this variant (Variation ID: 1484682). This missense change has been observed in individuals with autosomal dominant congenital cataracts (Invitae). This sequence change replaces glutamic acid, which is acidic and polar, with glycine, which is neutral and non-polar, at codon 48 of the GJA8 protein (p.Glu48Gly).

Literature cited by the submitters: PubMed 10480374; PubMed 19126675.

NM_005267.5(GJA8):c.143A>G (p.Glu48Gly)

Gene: GJA8 (gap junction protein alpha 8; plus strand). Cytogenetic location: 1q21.2.
Variant type: single nucleotide variant.
Coding change: c.143A>G on transcript NM_005267.5 (MANE Select); coding-DNA position 143, A replaced by G.
Protein change: p.Glu48Gly; replaces glutamic acid 48 with glycine.
Molecular consequence: missense variant.
Genome position (GRCh38, 1-based): chr1:147,908,098, A>G. VCF-style: chr1-147908098-A-G. GRCh37 (hg19) VCF-style: chr1-147380225-A-G.
Other names: short protein forms E48G.
Identifiers: ClinVar variation 1484682 (VCV001484682.6), dbSNP rs2149015418, ClinGen allele CA342223298.